The following is an entry in ClinVar:

ClinVar aggregate classification (germline): Uncertain significance. Review status: criteria provided, multiple submitters, no conflicts (2 of 4 stars). 2 submissions from 2 submitters: Uncertain significance (2). Last evaluated 2023-12-11.

Conditions:
PHARC syndrome. Also called: Polyneuropathy-hearing loss-ataxia-retinitis pigmentosa-cataract syndrome. Identifiers: Orphanet 171848, MedGen C2675204, MONDO:0012984, OMIM 612674.

Allele frequency attached by ClinVar (database versions not stated): gnomAD 0.00001; ExAC 0.00002; TOPMed 0.00002; gnomAD exomes 0.00003.
gnomAD v4.1: 22 of 1,614,174 alleles (0.0014%); highest among the groups gnomAD compares: South Asian, 0.015%; 1 homozygote.

Submissions (2):

Labcorp Genetics (formerly Invitae), Labcorp
Classification: Uncertain significance. Last evaluated: 2023-12-11. Review status: criteria provided, single submitter. Criteria: Invitae Variant Classification Sherloc (09022015). Collection method: clinical testing. Allele origin: germline.
Comment: This sequence change replaces isoleucine, which is neutral and non-polar, with valine, which is neutral and non-polar, at codon 84 of the ABHD12 protein (p.Ile84Val). This variant is present in population databases (rs776224682, gnomAD 0.02%). This variant has not been reported in the literature in individuals affected with ABHD12-related conditions. ClinVar contains an entry for this variant (Variation ID: 897558). Advanced modeling of protein sequence and biophysical properties (such as structural, functional, and spatial information, amino acid conservation, physicochemical variation, residue mobility, and thermodynamic stability) performed at Invitae indicates that this missense variant is not expected to disrupt ABHD12 protein function with a negative predictive value of 80%. In summary, the available evidence is currently insufficient to determine the role of this variant in disease. Therefore, it has been classified as a Variant of Uncertain Significance.

Illumina Laboratory Services, Illumina
Classification: Uncertain significance for PHARC syndrome. Last evaluated: 2018-02-09. Review status: criteria provided, single submitter. Criteria: ICSL Variant Classification Criteria 13 December 2019. Collection method: clinical testing. Allele origin: germline.

NM_001042472.3(ABHD12):c.250A>G (p.Ile84Val)

Gene: ABHD12 (abhydrolase domain containing 12, lysophospholipase; minus strand). Cytogenetic location: 20p11.21.
Variant type: single nucleotide variant.
Coding change: c.250A>G on transcript NM_001042472.3 (MANE Select); coding-DNA position 250, A replaced by G.
Protein change: p.Ile84Val; replaces isoleucine 84 with valine.
Molecular consequence: missense variant.
Genome position (GRCh38, 1-based): chr20:25,339,293, T>C on the plus strand (A>G on the coding strand, the complement: ABHD12 is on the minus strand). VCF-style: chr20-25339293-T-C. GRCh37 (hg19) VCF-style: chr20-25319929-T-C.
Other names: c.250A>G, p.Ile84Val (NM_015600.5); short protein forms I84V.
Identifiers: ClinVar variation 897558 (VCV000897558.13), dbSNP rs776224682, ClinGen allele CA9796210.